The following is an entry in ClinVar:

ClinVar aggregate classification (germline): Uncertain significance. Review status: criteria provided, multiple submitters, no conflicts (2 of 4 stars). 2 submissions from 2 submitters: Uncertain significance (2). Last evaluated 2026-03-01.

Conditions:
Inborn genetic diseases. Identifiers: MedGen C0950123, MeSH D030342.

Allele frequency attached by ClinVar (database versions not stated): gnomAD exomes below 0.00001.
gnomAD v4.1: 2 of 1,211,200 alleles (0.00017%); highest among the groups gnomAD compares: Non-Finnish European, 0.00022%; no homozygotes.

Submissions (2):

CeGaT Center for Human Genetics Tuebingen
Classification: Uncertain significance. Last evaluated: 2026-03-01. Review status: criteria provided, single submitter. Criteria: CeGaT Center For Human Genetics Tuebingen Variant Classification Criteria Version 2. Collection method: clinical testing. Allele origin: germline. Affected: yes. Observed: 1 variant allele.
Comment: BCOR: PM2

Ambry Genetics
Classification: Uncertain significance for Inborn genetic diseases. Last evaluated: 2024-01-09. Review status: criteria provided, single submitter. Criteria: Ambry Variant Classification Scheme 2023. Collection method: clinical testing. Allele origin: germline.

NM_001123385.2(BCOR):c.4828G>C (p.Asp1610His)

Gene: BCOR (BCL6 corepressor; minus strand). Cytogenetic location: Xp11.4.
Variant type: single nucleotide variant.
Coding change: c.4828G>C on transcript NM_001123385.2 (MANE Select); coding-DNA position 4828, G replaced by C.
Protein change: p.Asp1610His; replaces aspartic acid 1610 with histidine.
Molecular consequence: missense variant.
Genome position (GRCh38, 1-based): chrX:40,054,034, C>G on the plus strand (G>C on the coding strand, the complement: BCOR is on the minus strand). VCF-style: chrX-40054034-C-G. GRCh37 (hg19) VCF-style: chrX-39913287-C-G.
Other names: c.4726G>C, p.Asp1576His (NM_001123383.2, NM_017745.6); c.4672G>C, p.Asp1558His (NM_001123384.2); short protein forms D1576H, D1610H, D1558H.
Identifiers: ClinVar variation 3133546 (VCV003133546.5), dbSNP rs2519289228, ClinGen allele CA412734209.